The following is an entry in ClinVar:

ClinVar aggregate classification (germline): Pathogenic. Review status: criteria provided, multiple submitters, no conflicts (2 of 4 stars). 2 submissions from 2 submitters: Pathogenic (2). Last evaluated 2025-11-17.

Conditions:
Polycystic kidney disease, adult type (PKD1). Also called: POLYCYSTIC KIDNEY DISEASE, ADULT, TYPE I; Polycystic Kidney Disease 1, Autosomal Dominant; Polycystic kidney disease 1; Polycystic kidney disease 1, severe; POLYCYSTIC KIDNEY DISEASE 1 WITH OR WITHOUT POLYCYSTIC LIVER DISEASE; Polycystic Kidney, Autosomal Dominant. Identifiers: MedGen C3149841, MONDO:0008263, OMIM 173900.

Submissions (2):

3billion
Classification: Pathogenic for Polycystic kidney disease, adult type. Last evaluated: 2025-11-17. Review status: criteria provided, single submitter. Criteria: ACMG Guidelines, 2015. Collection method: clinical testing. Allele origin: germline. Affected: yes.
Comment: The variant is observed at an extremely low frequency in the gnomAD v4.1.0 dataset (total allele frequency: <0.001%). Predicted Consequence/Location: Stop-gained (nonsense): predicted to result in a loss or disruption of normal protein function through nonsense-mediated decay (NMD) or protein truncation. Multiple pathogenic variants are reported downstream of the variant. The variant has been reported to be associated with PKD1-related disorder (ClinVar ID: VCV003780286). Therefore, this variant is classified as Pathogenic according to the recommendation of ACMG/AMP guideline.

Department of Pathology and Laboratory Medicine, Sinai Health System
Classification: Pathogenic for Polycystic kidney disease, adult type. Last evaluated: 2021-11-24. Review status: criteria provided, single submitter. Criteria: ACMG Guidelines, 2015. Collection method: clinical testing. Allele origin: germline. Affected: yes.

NM_001009944.3(PKD1):c.6894G>A (p.Trp2298Ter)

Gene: PKD1 (polycystin 1, transient receptor potential channel interacting; minus strand). Cytogenetic location: 16p13.3.
Variant type: single nucleotide variant.
Coding change: c.6894G>A on transcript NM_001009944.3 (MANE Select); coding-DNA position 6894, G replaced by A.
Protein change: p.Trp2298Ter; replaces tryptophan 2298 with a stop codon.
Molecular consequence: nonsense.
Genome position (GRCh38, 1-based): chr16:2,108,273, C>T on the plus strand (G>A on the coding strand, the complement: PKD1 is on the minus strand). VCF-style: chr16-2108273-C-T. GRCh37 (hg19) VCF-style: chr16-2158274-C-T.
Other names: c.6894G>A, p.Trp2298Ter (NM_000296.4); short protein forms W2298*.
Identifiers: ClinVar variation 3780286 (VCV003780286.2).